The following is an entry in ClinVar:

ClinVar aggregate classification (germline): Pathogenic (1 of 4 stars; one submission).

Submission:

GeneDx
Classification: Pathogenic. Last evaluated: 2022-09-02. Review status: criteria provided, single submitter. Criteria: GeneDx Variant Classification Process June 2021. Collection method: clinical testing. Allele origin: germline. Affected: yes.
Comment: Frameshift variant predicted to result in protein truncation, as the last 1356 amino acids are replaced with 35 different amino acids, and other loss-of-function variants have been reported downstream in HGMD; Not observed at significant frequency in large population cohorts (gnomAD); Has not been previously published as pathogenic or benign to our knowledge

NM_002016.2(FLG):c.8117_8120del (p.Ser2706fs)

Genes: CCDST (cervical cancer associated DHX9 suppressive transcript; plus strand), FLG (filaggrin; minus strand). Cytogenetic location: 1q21.3.
Variant type: Microsatellite.
Coding change: c.8117_8120del on transcript NM_002016.2 (MANE Select); coding-DNA positions 8117 to 8120, 4 bases deleted (CAGT; older notation c.8117_8120delCAGT).
Protein change: p.Ser2706fs; shifts the reading frame from serine 2706.
Molecular consequence: frameshift variant.
Genome position (GRCh38, 1-based): chr1:152,306,766-152,306,769, ACTG deleted on the plus strand (CAGT on the coding strand, the reverse complement: FLG is on the minus strand); deleting any 4 consecutive bases within chr1:152,306,766-152,306,773 gives the same sequence; the c. name uses the placement nearest the transcript's 3' end. VCF-style (leftmost placement, unchanged base first): chr1-152306765-CACTG-C. GRCh37 (hg19) VCF-style: chr1-152279241-CACTG-C.
Other names: c.8113_8116CAGT[1], p.Ser2706Cysfs (NM_002016.1); c.8117_8120del (NM_002016.1); short protein forms S2706fs.
Identifiers: ClinVar variation 2442723 (VCV002442723.1), dbSNP rs1652001620, ClinGen allele CA1007765815.